The following is an entry in ClinVar:

NM_005560.6(LAMA5):c.3444-2A>G

Gene: LAMA5 (laminin subunit alpha 5; minus strand). Cytogenetic location: 20q13.33.
Variant type: single nucleotide variant.
Coding change: c.3444-2A>G on transcript NM_005560.6 (MANE Select); the canonical splice acceptor site of the intron before coding-DNA position 3444, A replaced by G.
Molecular consequence: splice acceptor variant.
Genome position (GRCh38, 1-based): chr20:62,332,482, T>C on the plus strand (A>G on the coding strand, the complement: LAMA5 is on the minus strand). VCF-style: chr20-62332482-T-C. GRCh37 (hg19) VCF-style: chr20-60907538-T-C.
Identifiers: ClinVar variation 2996645 (VCV002996645.3), dbSNP rs2516106523, ClinGen allele CA409567980.

ClinVar aggregate classification (germline): Uncertain significance (1 of 4 stars; one submission).

Submission:

Labcorp Genetics (formerly Invitae), Labcorp
Classification: Uncertain significance. Last evaluated: 2023-09-06. Review status: criteria provided, single submitter. Criteria: Invitae Variant Classification Sherloc (09022015). Collection method: clinical testing. Allele origin: germline.
Comment: In summary, the available evidence is currently insufficient to determine the role of this variant in disease. Therefore, it has been classified as a Variant of Uncertain Significance. Algorithms developed to predict the effect of sequence changes on RNA splicing suggest that this variant may disrupt the consensus splice site. This variant has not been reported in the literature in individuals affected with LAMA5-related conditions. This variant is not present in population databases (gnomAD no frequency). This sequence change affects an acceptor splice site in intron 27 of the LAMA5 gene. It is expected to disrupt RNA splicing. Variants that disrupt the donor or acceptor splice site typically lead to a loss of protein function (PMID: 16199547), however the current clinical and genetic evidence is not sufficient to establish whether loss-of-function variants in LAMA5 cause disease.

Literature cited by the submitters: PubMed 16199547.